The following is an entry in ClinVar:

NM_182914.3(SYNE2):c.1933T>A (p.Ser645Thr)

Gene: SYNE2 (spectrin repeat containing nuclear envelope protein 2; plus strand). Cytogenetic location: 14q23.2.
Variant type: single nucleotide variant.
Coding change: c.1933T>A on transcript NM_182914.3 (MANE Select); coding-DNA position 1933, T replaced by A.
Protein change: p.Ser645Thr; replaces serine 645 with threonine.
Molecular consequence: missense variant.
Genome position (GRCh38, 1-based): chr14:63,982,726, T>A. VCF-style: chr14-63982726-T-A. GRCh37 (hg19) VCF-style: chr14-64449444-T-A.
Other names: c.1933T>A, p.Ser645Thr (NM_015180.6); short protein forms S645T.
Identifiers: ClinVar variation 949044 (VCV000949044.9), dbSNP rs770407837, ClinGen allele CA7219551.

ClinVar aggregate classification (germline): Uncertain significance (1 of 4 stars; one submission).

Conditions:
Emery-Dreifuss muscular dystrophy 5, autosomal dominant (EDMD5). Also called: EMERY-DREIFUSS MUSCULAR DYSTROPHY 5. Identifiers: Orphanet 261, MedGen C2751805, MONDO:0013072, OMIM 612999.

Allele frequency attached by ClinVar (database versions not stated): gnomAD exomes below 0.00001; TOPMed below 0.00001; ExAC 0.00001.
gnomAD v4.1: 3 of 1,614,080 alleles (0.00019%); highest among the groups gnomAD compares: African/African-American, 0.0013%; no homozygotes.

Submission:

Labcorp Genetics (formerly Invitae), Labcorp
Classification: Uncertain significance for Emery-Dreifuss muscular dystrophy 5, autosomal dominant. Last evaluated: 2019-08-19. Review status: criteria provided, single submitter. Criteria: Invitae Variant Classification Sherloc (09022015). Collection method: clinical testing. Allele origin: germline.
Comment: This variant has not been reported in the literature in individuals with SYNE2-related conditions. This variant is present in population databases (rs770407837, ExAC 0.01%). This sequence change replaces serine with threonine at codon 645 of the SYNE2 protein (p.Ser645Thr). The serine residue is weakly conserved and there is a small physicochemical difference between serine and threonine. Algorithms developed to predict the effect of missense changes on protein structure and function output the following: SIFT: "Tolerated"; PolyPhen-2: "Possibly Damaging"; Align-GVGD: "Class C0". The threonine amino acid residue is found in multiple mammalian species, suggesting that this missense change does not adversely affect protein function. These predictions have not been confirmed by published functional studies and their clinical significance is uncertain. In summary, the available evidence is currently insufficient to determine the role of this variant in disease. Therefore, it has been classified as a Variant of Uncertain Significance.